The following is an entry in ClinVar:

NM_006904.7(PRKDC):c.8857A>T (p.Thr2953Ser)

Gene: PRKDC (protein kinase, DNA-activated, catalytic subunit; minus strand). Cytogenetic location: 8q11.21.
Variant type: single nucleotide variant.
Coding change: c.8857A>T on transcript NM_006904.7 (MANE Select); coding-DNA position 8857, A replaced by T.
Protein change: p.Thr2953Ser; replaces threonine 2953 with serine.
Molecular consequence: missense variant.
Genome position (GRCh38, 1-based): chr8:47,823,923, T>A on the plus strand (A>T on the coding strand, the complement: PRKDC is on the minus strand). VCF-style: chr8-47823923-T-A. GRCh37 (hg19) VCF-style: chr8-48736484-T-A.
Other names: c.8857A>T, p.Thr2953Ser (NM_001081640.2); short protein forms T2953S.
Identifiers: ClinVar variation 475241 (VCV000475241.5), dbSNP rs369402631, ClinGen allele CA4739711.
Genomic context (GRCh38, chr8:47,823,923, plus strand): 5'-CATACTGCTTAGCAGCTTCAGAATAATCACTTCTGGCTTCTGCTAATAATGCACTCTGAG[T>A]GATTTGCTTTGTTCCTATCTCACTGGTAAAAATCCCACGGAGGACGTCGTATTCTCCAAT-3'
Protein context (NP_008835.5, residues 2943-2963): FTSEIGTKQI[Thr2953Ser]QSALLAEARS

ClinVar aggregate classification (germline): Uncertain significance. Review status: criteria provided, multiple submitters, no conflicts (2 of 4 stars). 2 submissions from 2 submitters: Uncertain significance (2). Last evaluated 2022-09-27.

Conditions:
Severe combined immunodeficiency due to DNA-PKcs deficiency. Also called: IMMUNODEFICIENCY 26 WITH NEUROLOGIC ABNORMALITIES; Immunodeficiency 26 with or without neurologic abnormalities. Identifiers: Orphanet 317425, MedGen C4014833, MONDO:0014423, OMIM 615966.

Allele frequency attached by ClinVar (database versions not stated): TOPMed 0.00005; gnomAD 0.00007; gnomAD exomes 0.00007 and 0.00010; ExAC 0.00010; ESP Exome Variant Server 0.00017.
gnomAD v4.1: 107 of 1,613,856 alleles (0.0066%); highest among the groups gnomAD compares: Admixed American, 0.0067%; no homozygotes.

Submissions (2):

Labcorp Genetics (formerly Invitae), Labcorp
Classification: Uncertain significance for Severe combined immunodeficiency due to DNA-PKcs deficiency. Last evaluated: 2022-09-27. Review status: criteria provided, single submitter. Criteria: Invitae Variant Classification Sherloc (09022015). Collection method: clinical testing. Allele origin: germline.
Comment: This sequence change replaces threonine, which is neutral and polar, with serine, which is neutral and polar, at codon 2953 of the PRKDC protein (p.Thr2953Ser). This variant is present in population databases (rs369402631, gnomAD 0.1%). This variant has not been reported in the literature in individuals affected with PRKDC-related conditions. ClinVar contains an entry for this variant (Variation ID: 475241). In summary, the available evidence is currently insufficient to determine the role of this variant in disease. Therefore, it has been classified as a Variant of Uncertain Significance.

GeneDx
Classification: Uncertain significance. Last evaluated: 2019-09-26. Review status: criteria provided, single submitter. Criteria: GeneDx Variant Classification Process June 2021. Collection method: clinical testing. Allele origin: germline. Affected: yes.
Comment: In silico analysis, which includes protein predictors and evolutionary conservation, supports a deleterious effect; Has not been previously published as pathogenic or benign to our knowledge